The following is an entry in ClinVar:

NM_199355.4(ADAMTS18):c.2408G>C (p.Gly803Ala)

Gene: ADAMTS18 (ADAM metallopeptidase with thrombospondin type 1 motif 18; minus strand). Cytogenetic location: 16q23.1.
Variant type: single nucleotide variant.
Coding change: c.2408G>C on transcript NM_199355.4 (MANE Select); coding-DNA position 2408, G replaced by C.
Protein change: p.Gly803Ala; replaces glycine 803 with alanine.
Molecular consequence: missense variant.
Genome position (GRCh38, 1-based): chr16:77,319,973, C>G on the plus strand (G>C on the coding strand, the complement: ADAMTS18 is on the minus strand). VCF-style: chr16-77319973-C-G. GRCh37 (hg19) VCF-style: chr16-77353870-C-G.
Other names: c.1892G>C, p.Gly631Ala (NM_001326358.2); short protein forms G631A, G803A.
Identifiers: ClinVar variation 1009676 (VCV001009676.7), dbSNP rs201737996, ClinGen allele CA8180918.
Genomic context (GRCh38, chr16:77,319,973, plus strand): 5'-CGCTGGTATTCAAACGTGGTCCCAGCGAAGGGGAACTCCCCAGGCCAGTCGATGCTCCAG[C>G]CCCCGGTGAGGTAATACTTTTGACTGAGGCTTCGAACTGCGAGGTAACTGGAGGAAACCT-3'
Protein context (NP_955387.1, residues 793-813): SLSQKYYLTG[Gly803Ala]WSIDWPGEFP

ClinVar aggregate classification (germline): Uncertain significance (1 of 4 stars; one submission).

Allele frequency attached by ClinVar (database versions not stated): ExAC 0.00003; 1000 Genomes Project 30x 0.00031; 1000 Genomes Project 0.00040.
gnomAD v4.1: 15 of 1,614,184 alleles (0.00093%); highest among the groups gnomAD compares: South Asian, 0.016%; no homozygotes.

Submission:

Labcorp Genetics (formerly Invitae), Labcorp
Classification: Uncertain significance. Last evaluated: 2023-05-08. Review status: criteria provided, single submitter. Criteria: Invitae Variant Classification Sherloc (09022015). Collection method: clinical testing. Allele origin: germline.
Comment: In summary, the available evidence is currently insufficient to determine the role of this variant in disease. Therefore, it has been classified as a Variant of Uncertain Significance. Algorithms developed to predict the effect of missense changes on protein structure and function output the following: SIFT: "Not Available"; PolyPhen-2: "Benign"; Align-GVGD: "Not Available". The alanine amino acid residue is found in multiple mammalian species, which suggests that this missense change does not adversely affect protein function. This variant has not been reported in the literature in individuals affected with ADAMTS18-related conditions. This variant is present in population databases (rs201737996, gnomAD 0.01%). This sequence change replaces glycine, which is neutral and non-polar, with alanine, which is neutral and non-polar, at codon 803 of the ADAMTS18 protein (p.Gly803Ala).